The following is an entry in ClinVar:

ClinVar aggregate classification (germline): Uncertain significance (1 of 4 stars; one submission).

Allele frequency attached by ClinVar (database versions not stated): gnomAD exomes below 0.00001.
gnomAD v4.1: 1 of 1,551,254 alleles (0.000064%); highest among the groups gnomAD compares: Non-Finnish European, 0.000087%; no homozygotes.

Submission:

Labcorp Genetics (formerly Invitae), Labcorp
Classification: Uncertain significance. Last evaluated: 2022-03-29. Review status: criteria provided, single submitter. Criteria: Invitae Variant Classification Sherloc (09022015). Collection method: clinical testing. Allele origin: germline.
Comment: This sequence change replaces proline, which is neutral and non-polar, with threonine, which is neutral and polar, at codon 1432 of the EYS protein (p.Pro1432Thr). This variant is not present in population databases (gnomAD no frequency). This variant has not been reported in the literature in individuals affected with EYS-related conditions. Algorithms developed to predict the effect of missense changes on protein structure and function are either unavailable or do not agree on the potential impact of this missense change (SIFT: "Deleterious"; PolyPhen-2: "Benign"; Align-GVGD: "Class C0"). In summary, the available evidence is currently insufficient to determine the role of this variant in disease. Therefore, it has been classified as a Variant of Uncertain Significance.

NM_001142800.2(EYS):c.4294C>A (p.Pro1432Thr)

Gene: EYS (eyes shut homolog; minus strand). Cytogenetic location: 6q12.
Variant type: single nucleotide variant.
Coding change: c.4294C>A on transcript NM_001142800.2 (MANE Select); coding-DNA position 4294, C replaced by A.
Protein change: p.Pro1432Thr; replaces proline 1432 with threonine.
Molecular consequence: missense variant.
Genome position (GRCh38, 1-based): chr6:64,591,573, G>T on the plus strand (C>A on the coding strand, the complement: EYS is on the minus strand). VCF-style: chr6-64591573-G-T. GRCh37 (hg19) VCF-style: chr6-65301466-G-T.
Other names: c.4294C>A, p.Pro1432Thr (NM_001292009.2); short protein forms P1432T.
Identifiers: ClinVar variation 1970721 (VCV001970721.2), dbSNP rs2533154376, ClinGen allele CA364783632.